The following is an entry in ClinVar:

NM_000059.4(BRCA2):c.3836dup (p.Asn1279fs)

Gene: BRCA2 (BRCA2 DNA repair associated; plus strand). Cytogenetic location: 13q13.1.
Variant type: Duplication.
Coding change: c.3836dup on transcript NM_000059.4 (MANE Select); coding-DNA position 3836, one base duplicated (A; older notation c.3836dupA).
Protein change: p.Asn1279fs; shifts the reading frame from asparagine 1279.
Molecular consequence: frameshift variant.
Genome position (GRCh38, 1-based): chr13:32,338,191, A duplicated; the last of 2 consecutive A bases (chr13:32,338,190-32,338,191); duplicating either gives the same sequence. VCF-style (leftmost placement, unchanged base first): chr13-32338189-T-TA. GRCh37 (hg19) VCF-style: chr13-32912326-T-TA.
Other names: c.3836dupA (NM_000059.3); short protein forms N1279fs.
Identifiers: ClinVar variation 187186 (VCV000187186.9), dbSNP rs397507690, ClinGen allele CA196954.

ClinVar aggregate classification (germline): Pathogenic. Review status: reviewed by expert panel (3 of 4 stars). 3 submissions from 3 submitters: Pathogenic (1). 2 of the submissions do not count toward it. Last evaluated 2016-09-08.

Conditions:
Hereditary breast ovarian cancer syndrome. Also called: Hereditary breast and ovarian cancer; Hereditary breast and ovarian cancer syndrome; Breast and ovarian cancer; Hereditary breast and ovarian cancer syndrome (HBOC); Hereditary breast and/or ovarian cancer syndrome; BRCA1- and BRCA2-Associated Hereditary Breast and Ovarian Cancer. Identifiers: Orphanet 145, MedGen C0677776, MeSH D061325, MONDO:0003582. Disease mechanism: loss of function.
Breast-ovarian cancer, familial, susceptibility to, 2 (BROVCA2). Also called: BRCA2 Hereditary Breast and Ovarian Cancer. Identifiers: Orphanet 145, MedGen C2675520, MONDO:0012933, OMIM 612555. Disease mechanism: loss of function.
Hereditary cancer-predisposing syndrome. Also called: Hereditary Cancer Syndrome; Neoplastic Syndromes, Hereditary; Tumor predisposition; Hereditary neoplastic syndrome. Identifiers: Orphanet 140162, MedGen C0027672, MeSH D009386, MONDO:0015356.

Submissions (3):

Evidence-based Network for the Interpretation of Germline Mutant Alleles (ENIGMA)
Classification: Pathogenic for Breast-ovarian cancer, familial, susceptibility to, 2. Last evaluated: 2016-09-08. Review status: reviewed by expert panel. Criteria: ENIGMA BRCA1/2 Classification Criteria (2015). Collection method: curation. Allele origin: germline.
Comment: Variant allele predicted to encode a truncated non-functional protein.

Labcorp Genetics (formerly Invitae), Labcorp
Classification: Pathogenic for Hereditary breast ovarian cancer syndrome. Last evaluated: 2023-08-31. Review status: criteria provided, single submitter. Criteria: Invitae Variant Classification Sherloc (09022015). Collection method: clinical testing. Allele origin: germline. Not counted in ClinVar's aggregate classification.
Comment: For these reasons, this variant has been classified as Pathogenic. This sequence change creates a premature translational stop signal (p.Asn1279Lysfs*2) in the BRCA2 gene. It is expected to result in an absent or disrupted protein product. Loss-of-function variants in BRCA2 are known to be pathogenic (PMID: 20104584). This variant is not present in population databases (gnomAD no frequency). This variant has not been reported in the literature in individuals affected with BRCA2-related conditions. ClinVar contains an entry for this variant (Variation ID: 187186).

Ambry Genetics
Classification: Pathogenic for Hereditary cancer-predisposing syndrome. Last evaluated: 2014-11-18. Review status: criteria provided, single submitter. Criteria: Ambry Variant Classification Scheme 2023. Collection method: clinical testing. Allele origin: germline. Not counted in ClinVar's aggregate classification.
Comment: The c.3836dupA (also known as 4064insA) pathogenic mutation, located in coding exon 10 of the BRCA2 gene, results from a duplication of A at nucleotide position 3836, causing a translational frameshift with a predicted alternate stop codon. Since frameshifts are typically deleterious in nature, this alteration is interpreted as a disease-causing mutation (ACMG Recommendations for Standards for Interpretation and Reporting of Sequence Variations. Revision 2007. Genet Med. 2008;10:294).

Literature cited by the submitters: PubMed 20104584 (cited by Labcorp Genetics (formerly Invitae), Labcorp).